The following is an entry in ClinVar:

ClinVar aggregate classification (germline): Benign/Likely benign. Review status: criteria provided, multiple submitters, no conflicts (2 of 4 stars). 6 submissions from 6 submitters: Benign (1); Likely benign (1). 4 of the submissions do not count toward it. Last evaluated 2026-07-01.

Conditions:
VPS13A-related disorder. Also called: VPS13A-related condition.
VPS13A-related neurodegenerative disease. Also called: VPS13A Disease; LEVINE-CRITCHLEY SYNDROME; Choreaacanthocytosis; ACANTHOCYTOSIS WITH NEUROLOGIC DISORDER; Choreoacanthocytosis; Chorea-acanthocytosis. Identifiers: Orphanet 2388, MedGen C0393576, MONDO:0008695, OMIM 200150.

Submissions (6):

CeGaT Center for Human Genetics Tuebingen
Classification: Benign. Last evaluated: 2026-07-01. Review status: criteria provided, single submitter. Criteria: CeGaT Center For Human Genetics Tuebingen Variant Classification Criteria Version 2. Collection method: clinical testing. Allele origin: germline. Affected: yes. Observed: 11 variant alleles.
Comment: VPS13A: BS1, BS2

Blueprint Genetics
Classification: Likely benign. Last evaluated: 2024-11-26. Review status: criteria provided, single submitter. Criteria: ACMG Guidelines, 2015. Collection method: clinical testing. Allele origin: germline.

PreventionGenetics, part of Exact Sciences
Classification: Likely benign for VPS13A-related condition. Last evaluated: 2021-02-11. Review status: no assertion criteria provided. Collection method: clinical testing. Allele origin: germline. Not counted in ClinVar's aggregate classification.
Comment: This variant is classified as likely benign based on ACMG/AMP sequence variant interpretation guidelines (Richards et al. 2015 PMID: 25741868, with internal and published modifications).

Counsyl
Classification: Likely benign for VPS13A-related neurodegenerative disease. Last evaluated: 2017-03-27. Review status: no assertion criteria provided. Collection method: clinical testing. Allele origin: unknown. Not counted in ClinVar's aggregate classification.

Clinical Genetics DNA and cytogenetics Diagnostics Lab, Erasmus MC, Erasmus Medical Center
Classification: Uncertain significance. Review status: no assertion criteria provided. Collection method: clinical testing. Allele origin: germline. Affected: yes. Study: VKGL Data-share Consensus. Not counted in ClinVar's aggregate classification.

Diagnostic Laboratory, Department of Genetics, University Medical Center Groningen
Classification: Uncertain significance for VPS13A-related neurodegenerative disease. Review status: no assertion criteria provided. Collection method: clinical testing. Allele origin: germline. Affected: yes. Study: VKGL Data-share Consensus. Not counted in ClinVar's aggregate classification.

NM_033305.3(VPS13A):c.9189+2545TGA[6]

Gene: VPS13A (vacuolar protein sorting 13 homolog A; plus strand). Cytogenetic location: 9q21.2.
Variant type: Microsatellite.
Coding change: c.9189+2545TGA[6] on transcript NM_033305.3 (MANE Select); six copies in a row of the 3-base unit TGA starting at c.9189+2545; the reference has 11 copies in a row; five copies, 15 bases deleted.
Molecular consequence: intron variant. On other transcripts: inframe deletion (1).
Genome position (GRCh38, 1-based): chr9:77,384,650-77,384,664, TGATGATGATGATGA deleted; deleting any 15 consecutive bases within chr9:77,384,632-77,384,664 gives the same sequence; the position shown is the placement nearest the transcript's 3' end. VCF-style (leftmost placement, unchanged base first): chr9-77384631-GTGATGATGATGATGA-G. GRCh37 (hg19) VCF-style: chr9-79999547-GTGATGATGATGATGA-G.
Other names: c.9189+2563_9189+2577del15 (NM_033305.2); c.9255_9269delTGATGATGATGATGA (NM_015186.3); c.9237TGA[6], p.Asp3085_Asp3089del (NM_015186.4); c.9072+2545TGA[6] (NM_001018037.2); c.9255_9269del15 (NM_015186.3).
Identifiers: ClinVar variation 518402 (VCV000518402.29), dbSNP rs113052866, ClinGen allele CA5093932.
Genomic context (GRCh38, chr9:77,384,631, plus strand): 5'-TGCCATGCTTACAGAAAATTCAATTCTACAGGGAGTGGATTATGACTCACAGTAGCAGTA[GTGATGATGATGATGA>G]TGATGATGATGATGATGAGTCAGATCTAAACCATTAAAATTCATATGTTCTTTATTTTAC-3'